The following is an entry in ClinVar:

ClinVar aggregate classification (germline): Conflicting classifications of pathogenicity. Review status: criteria provided, conflicting classifications (1 of 4 stars). 11 submissions from 10 submitters: Uncertain significance (8); Benign (1); Likely benign (1). 1 of the submissions does not count toward it. Last evaluated 2026-07-01.

Conditions:
Emery-Dreifuss muscular dystrophy 4, autosomal dominant (EDMD4). Also called: EMERY-DREIFUSS MUSCULAR DYSTROPHY 4 WITH VARIABLE FEATURES. Identifiers: Orphanet 261, MedGen C2751807, MONDO:0013071, OMIM 612998.
Autosomal recessive ataxia, Beauce type. Also called: SYNE1-Related Autosomal Recessive Cerebellar Ataxia; SYNE1 Deficiency; ATAXIA, RECESSIVE, OF BEAUCE; Spinocerebellar ataxia, autosomal recessive 8. Identifiers: Orphanet 88644, MedGen C1853116, MONDO:0012549, OMIM 610743.
SYNE1-related disorder. Also called: SYNE1-related disorders; SYNE1-related disease; SYNE1-related condition.

Allele frequency attached by ClinVar (database versions not stated): gnomAD 0.00014; TOPMed 0.00014; gnomAD exomes 0.00032 and 0.00012; ESP Exome Variant Server 0.00038; ExAC 0.00010.
gnomAD v4.1: 508 of 1,614,044 alleles (0.031%); highest among the groups gnomAD compares: Non-Finnish European, 0.039%; no homozygotes.

Submissions (11):

CeGaT Center for Human Genetics Tuebingen
Classification: Likely benign. Last evaluated: 2026-07-01. Review status: criteria provided, single submitter. Criteria: CeGaT Center For Human Genetics Tuebingen Variant Classification Criteria Version 2. Collection method: clinical testing. Allele origin: germline. Affected: yes. Observed: 2 variant alleles.
Comment: SYNE1: BP4

GeneDx
Classification: Uncertain significance. Last evaluated: 2026-01-24. Review status: criteria provided, single submitter. Criteria: GeneDx Variant Classification Process June 2021. Collection method: clinical testing. Allele origin: germline.
Comment: In silico analysis suggests that this missense variant does not alter protein structure/function; Has not been previously published as pathogenic or benign to our knowledge

Athena Diagnostics
Classification: Uncertain significance. Last evaluated: 2025-05-20. Review status: criteria provided, single submitter. Criteria: Athena Diagnostics Criteria. Collection method: clinical testing. Allele origin: unknown.
Comment: Available data are insufficient to determine the clinical significance of the variant at this time. The frequency of this variant in the general population is uninformative in assessment of its pathogenicity. Polyphen and MutationTaster predict this amino acid change may be benign.

Revvity Omics, Revvity
Classification: Uncertain significance. Last evaluated: 2025-04-18. Review status: criteria provided, single submitter. Criteria: ACMG Guidelines, 2015. Collection method: clinical testing. Allele origin: germline.

Labcorp Genetics (formerly Invitae), Labcorp
Classification: Uncertain significance for Emery-Dreifuss muscular dystrophy 4, autosomal dominant; Autosomal recessive ataxia, Beauce type. Last evaluated: 2024-12-02. Review status: criteria provided, single submitter. Criteria: Invitae Variant Classification Sherloc (09022015). Collection method: clinical testing. Allele origin: germline.
Comment: This sequence change replaces isoleucine, which is neutral and non-polar, with valine, which is neutral and non-polar, at codon 7524 of the SYNE1 protein (p.Ile7524Val). This variant is present in population databases (rs146320179, gnomAD 0.02%). This variant has not been reported in the literature in individuals affected with SYNE1-related conditions. ClinVar contains an entry for this variant (Variation ID: 288395). An algorithm developed to predict the effect of missense changes on protein structure and function outputs the following: PolyPhen-2: "Benign". The valine amino acid residue is found in multiple mammalian species, which suggests that this missense change does not adversely affect protein function. In summary, the available evidence is currently insufficient to determine the role of this variant in disease. Therefore, it has been classified as a Variant of Uncertain Significance.

Blueprint Genetics
Classification: Uncertain significance. Last evaluated: 2024-10-02. Review status: criteria provided, single submitter. Criteria: ACMG Guidelines, 2015. Collection method: clinical testing. Allele origin: germline.

Baylor Genetics
Classification: Uncertain significance for Emery-Dreifuss muscular dystrophy 4, autosomal dominant. Last evaluated: 2018-05-30. Review status: criteria provided, single submitter. Criteria: ACMG Guidelines, 2015. Collection method: clinical testing. Allele origin: maternal. Affected: yes.
Comment: This variant was determined to be of uncertain significance according to ACMG Guidelines, 2015 [PMID:25741868].

Illumina Laboratory Services, Illumina
Classification: Uncertain significance for Autosomal recessive ataxia, Beauce type. Last evaluated: 2018-01-13. Review status: criteria provided, single submitter. Criteria: ICSL Variant Classification Criteria 13 December 2019. Collection method: clinical testing. Allele origin: germline.

Illumina Laboratory Services, Illumina
Classification: Benign for Emery-Dreifuss muscular dystrophy 4, autosomal dominant. Last evaluated: 2018-01-13. Review status: criteria provided, single submitter. Criteria: ICSL Variant Classification Criteria 13 December 2019. Collection method: clinical testing. Allele origin: germline.
Comment: This variant was observed in the ICSL laboratory as part of a predisposition screen in an ostensibly healthy population. It had not been previously curated by ICSL or reported in the Human Gene Mutation Database (HGMD: prior to June 1st, 2018), and was therefore a candidate for classification through an automated scoring system. Utilizing variant allele frequency, disease prevalence and penetrance estimates, and inheritance mode, an automated score was calculated to assess if this variant is too frequent to cause the disease. Based on the score and internal cut-off values, a variant classified as benign is not then subjected to further curation. The score for this variant resulted in a classification of benign for this disease.

Eurofins Ntd Llc (ga)
Classification: Uncertain significance. Last evaluated: 2017-06-28. Review status: criteria provided, single submitter. Criteria: EGL Classification Definitions 2015. Collection method: clinical testing. Allele origin: germline. Observed: 3 variant alleles, 3 heterozygotes.

PreventionGenetics, part of Exact Sciences
Classification: Uncertain significance for SYNE1-related condition. Last evaluated: 2023-11-08. Review status: no assertion criteria provided. Collection method: clinical testing. Allele origin: germline. Not counted in ClinVar's aggregate classification.
Comment: The SYNE1 c.22570A>G variant is predicted to result in the amino acid substitution p.Ile7524Val. To our knowledge, this variant has not been reported in the literature. This variant is reported in 0.020% of alleles in individuals of European (Non-Finnish) descent in gnomAD. At this time, the clinical significance of this variant is uncertain due to the absence of conclusive functional and genetic evidence.

NM_182961.4(SYNE1):c.22783A>G (p.Ile7595Val)

Gene: SYNE1 (spectrin repeat containing nuclear envelope protein 1; minus strand). Cytogenetic location: 6q25.2.
Variant type: single nucleotide variant.
Coding change: c.22783A>G on transcript NM_182961.4 (MANE Select); coding-DNA position 22783, A replaced by G.
Protein change: p.Ile7595Val; replaces isoleucine 7595 with valine.
Molecular consequence: missense variant.
Genome position (GRCh38, 1-based): chr6:152,208,013, T>C on the plus strand (A>G on the coding strand, the complement: SYNE1 is on the minus strand). VCF-style: chr6-152208013-T-C. GRCh37 (hg19) VCF-style: chr6-152529148-T-C.
Other names: c.22570A>G, p.Ile7524Val (NM_033071.5); short protein forms I7524V, I7595V.
Identifiers: ClinVar variation 288395 (VCV000288395.26), dbSNP rs146320179, ClinGen allele CA4053801.
Genomic context (GRCh38, chr6:152,208,013, plus strand): 5'-ACTGTGTTTTGCATCTTACCTGCACTTCATCAAAGAGGGTCCTTGCTTGTTGCAGTGGTA[T>C]AGGAACACTTCCGAGACCACTCATGGGGAGGTAGGACACTTCAACCAACCATTTACGAAG-3'
Protein context (NP_892006.3, residues 7585-7605): LPMSGLGSVP[Ile7595Val]PLQQARTLFD